The following is an entry in ClinVar:

NM_002474.3(MYH11):c.4677G>A (p.Glu1559=)

Genes: NDE1 (nudE neurodevelopment protein 1; plus strand), MYH11 (myosin heavy chain 11; minus strand). Cytogenetic location: 16p13.11.
Variant type: single nucleotide variant.
Coding change: c.4677G>A on transcript NM_002474.3 (MANE Select); coding-DNA position 4677, G replaced by A.
Protein change: p.Glu1559=; no amino-acid change (glutamic acid 1559 retained).
Molecular consequence: synonymous variant. On other transcripts: intron variant (2).
Genome position (GRCh38, 1-based): chr16:15,720,953, C>T on the plus strand (G>A on the coding strand, the complement: MYH11 is on the minus strand). VCF-style: chr16-15720953-C-T. GRCh37 (hg19) VCF-style: chr16-15814810-C-T.
Other names: c.4698G>A, p.Glu1566= (NM_001040113.2, NM_001040114.2); c.4677G>A, p.Glu1559= (NM_022844.3); c.948-3238C>T (NM_001143979.2, NM_017668.3).
Identifiers: ClinVar variation 3387175 (VCV003387175.2).
Genomic context (GRCh38, chr16:15,720,953, plus strand): 5'-ATCCCTTTCGAACTGGCCCTTGAGCGCCTGCATGTTGACTTCCAGCCGCAGTTTGGCGTC[C>T]TCCGTGGCTTGCAGCTCGTCCTCCAGCTCTTCCAGCTGCGTCTTCATCTCCTCCATCTGG-3'
Protein context (NP_002465.1, residues 1549-1569): EELEDELQAT[Glu1559=]DAKLRLEVNM

ClinVar aggregate classification (germline): Likely benign. Review status: criteria provided, multiple submitters, no conflicts (2 of 4 stars). 2 submissions from 2 submitters: Likely benign (2). Last evaluated 2025-09-29.

Conditions:
Aortic aneurysm, familial thoracic 4 (AAT4). Also called: AORTIC ANEURYSM/AORTIC DISSECTION AND PATENT DUCTUS ARTERIOSUS. Identifiers: MedGen C1851504, MONDO:0007568, OMIM 132900.
Familial thoracic aortic aneurysm and aortic dissection (TAAD). Also called: Thoracic aortic aneurysms and dissections. Identifiers: Orphanet 91387, MedGen C4707243, MONDO:0019625.

Submissions (2):

Labcorp Genetics (formerly Invitae), Labcorp
Classification: Likely benign for Aortic aneurysm, familial thoracic 4. Last evaluated: 2025-09-29. Review status: criteria provided, single submitter. Criteria: Invitae Variant Classification Sherloc (09022015). Collection method: clinical testing. Allele origin: germline.

All of Us Research Program, National Institutes of Health
Classification: Likely benign for Familial thoracic aortic aneurysm and aortic dissection. Last evaluated: 2024-04-16. Review status: criteria provided, single submitter. Criteria: ACMG Guidelines, 2015. Collection method: clinical testing. Allele origin: germline. Inheritance: Autosomal dominant inheritance. Observed: 2 variant alleles, 2 heterozygotes.
Comment: This study involves interpretation of variants in research participants for the purpose of population health screening. Participant phenotype was not available at the time of variant classification. Additional details can be found in publication PMID: 35346344, PMCID: PMC8962531